The following is an entry in ClinVar:

NM_017654.4(SAMD9):c.769A>C (p.Lys257Gln)

Gene: SAMD9 (sterile alpha motif domain containing 9; minus strand). Cytogenetic location: 7q21.2.
Variant type: single nucleotide variant.
Coding change: c.769A>C on transcript NM_017654.4 (MANE Select); coding-DNA position 769, A replaced by C.
Protein change: p.Lys257Gln; replaces lysine 257 with glutamine.
Molecular consequence: missense variant.
Genome position (GRCh38, 1-based): chr7:93,105,329, T>G on the plus strand (A>C on the coding strand, the complement: SAMD9 is on the minus strand). VCF-style: chr7-93105329-T-G. GRCh37 (hg19) VCF-style: chr7-92734642-T-G.
Other names: c.769A>C, p.Lys257Gln (NM_001193307.2); short protein forms K257Q.
Identifiers: ClinVar variation 5028763 (VCV005028763.1).
Genomic context (GRCh38, chr7:93,105,329, plus strand): 5'-CTTGATGGTCTTCAAAATACTTGTTTATCATCAGATTGAAATGGTTAATGAGGGCTTCCT[T>G]GGTATCATTGGTGACTTTGATGCCAACAATTTTCCCATGGGGTTTGTCTTTGACTCCAAA-3'
Protein context (NP_060124.2, residues 247-267): IVGIKVTNDT[Lys257Gln]EALINHFNLM

ClinVar aggregate classification (germline): Uncertain significance (1 of 4 stars; one submission).

Conditions:
Inborn genetic diseases. Identifiers: MedGen C0950123, MeSH D030342.

Submission:

Ambry Genetics
Classification: Uncertain significance for Inborn genetic diseases. Last evaluated: 2026-07-13. Review status: criteria provided, single submitter. Criteria: Ambry Variant Classification Scheme 2023. Collection method: clinical testing. Allele origin: germline.
Comment: The p.K257Q variant (also known as c.769A>C), located in coding exon 1 of the SAMD9 gene, results from an A to C substitution at nucleotide position 769. The lysine at codon 257 is replaced by glutamine, an amino acid with similar properties. This amino acid position is conserved. In addition, this alteration is predicted to be tolerated by in silico analysis. Based on the available evidence, the clinical significance of this variant remains unclear.